The following is an entry in ClinVar:

ClinVar aggregate classification (germline): Uncertain significance (1 of 4 stars; one submission).

Conditions:
Cardiovascular phenotype. Identifiers: MedGen CN230736.

Submission:

Ambry Genetics
Classification: Uncertain significance for Cardiovascular phenotype. Last evaluated: 2023-12-29. Review status: criteria provided, single submitter. Criteria: Ambry Variant Classification Scheme 2023. Collection method: clinical testing. Allele origin: germline.
Comment: The p.D226H variant (also known as c.676G>C), located in coding exon 4 of the EPHB4 gene, results from a G to C substitution at nucleotide position 676. The aspartic acid at codon 226 is replaced by histidine, an amino acid with similar properties. This amino acid position is conserved. In addition, this alteration is predicted to be tolerated by in silico analysis. Since supporting evidence is limited at this time, the clinical significance of this alteration remains unclear.

NM_004444.5(EPHB4):c.676G>C (p.Asp226His)

Gene: EPHB4 (EPH receptor B4; minus strand). Cytogenetic location: 7q22.1.
Variant type: single nucleotide variant.
Coding change: c.676G>C on transcript NM_004444.5 (MANE Select); coding-DNA position 676, G replaced by C.
Protein change: p.Asp226His; replaces aspartic acid 226 with histidine.
Molecular consequence: missense variant.
Genome position (GRCh38, 1-based): chr7:100,822,403, C>G on the plus strand (G>C on the coding strand, the complement: EPHB4 is on the minus strand). VCF-style: chr7-100822403-C-G. GRCh37 (hg19) VCF-style: chr7-100420025-C-G.
Other names: short protein forms D226H.
Identifiers: ClinVar variation 3224292 (VCV003224292.1), dbSNP rs2485045108, ClinGen allele CA368580528.
Genomic context (GRCh38, chr7:100,822,403, plus strand): 5'-CCCACTGGCCATCCTCACGGCAGTAGAGGCTGGGGCTGGGGCCAGGGGCGGGGACGGCAT[C>G]CACCACGCAGCTACCGGCCACGGGCACAACCAGCTCCCGAGGCACAGTCTCCGGGAATCG-3'
Protein context (NP_004435.3, residues 216-236): VVPVAGSCVV[Asp226His]AVPAPGPSPS